The following is an entry in ClinVar:

NM_000540.3(RYR1):c.6695G>A (p.Cys2232Tyr)

Gene: RYR1 (ryanodine receptor 1; plus strand). Cytogenetic location: 19q13.2.
Variant type: single nucleotide variant.
Coding change: c.6695G>A on transcript NM_000540.3 (MANE Select); coding-DNA position 6695, G replaced by A.
Protein change: p.Cys2232Tyr; replaces cysteine 2232 with tyrosine.
Molecular consequence: missense variant.
Genome position (GRCh38, 1-based): chr19:38,496,440, G>A. VCF-style: chr19-38496440-G-A. GRCh37 (hg19) VCF-style: chr19-38987080-G-A.
Other names: c.6695G>A, p.Cys2232Tyr (NM_001042723.2); short protein forms C2232Y.
Identifiers: ClinVar variation 2782106 (VCV002782106.3), dbSNP rs2514288721, ClinGen allele CA405666224.

ClinVar aggregate classification (germline): Uncertain significance (1 of 4 stars; one submission).

Conditions:
RYR1-related disorder. Also called: RYR1-related condition; RYR1-related disorders. Identifiers: MedGen CN239331.

Submission:

Labcorp Genetics (formerly Invitae), Labcorp
Classification: Uncertain significance for RYR1-related disorder. Last evaluated: 2022-12-28. Review status: criteria provided, single submitter. Criteria: Invitae Variant Classification Sherloc (09022015). Collection method: clinical testing. Allele origin: germline.
Comment: In summary, the available evidence is currently insufficient to determine the role of this variant in disease. Therefore, it has been classified as a Variant of Uncertain Significance. Advanced modeling of protein sequence and biophysical properties (such as structural, functional, and spatial information, amino acid conservation, physicochemical variation, residue mobility, and thermodynamic stability) performed at Invitae indicates that this missense variant is expected to disrupt RYR1 protein function. This variant has not been reported in the literature in individuals affected with RYR1-related conditions. This variant is not present in population databases (gnomAD no frequency). This sequence change replaces cysteine, which is neutral and slightly polar, with tyrosine, which is neutral and polar, at codon 2232 of the RYR1 protein (p.Cys2232Tyr).